The following is an entry in ClinVar:

NM_004519.4(KCNQ3):c.373T>C (p.Tyr125His)

Gene: KCNQ3 (potassium voltage-gated channel subfamily Q member 3; minus strand). Cytogenetic location: 8q24.22.
Variant type: single nucleotide variant.
Coding change: c.373T>C on transcript NM_004519.4 (MANE Select); coding-DNA position 373, T replaced by C.
Protein change: p.Tyr125His; replaces tyrosine 125 with histidine.
Molecular consequence: missense variant.
Genome position (GRCh38, 1-based): chr8:132,480,160, A>G on the plus strand (T>C on the coding strand, the complement: KCNQ3 is on the minus strand). VCF-style: chr8-132480160-A-G. GRCh37 (hg19) VCF-style: chr8-133492407-A-G.
Other names: short protein forms Y125H.
Identifiers: ClinVar variation 852826 (VCV000852826.9), dbSNP rs1416256789, ClinGen allele CA372292343.
Genomic context (GRCh38, chr8:132,480,160, plus strand): 5'-CCCAAGCGCGCCGCCGCCGAGGGCGCCCCGAGCGGCCGGGTACTCACACCAACGCGTGGT[A>G]AAGCAGCGCCCAGCCCCGCGGTCTCTCCAGGGCGTCGTAGATCAAAGTTTGGATGCGCCG-3'
Protein context (NP_004510.1, residues 115-135): LERPRGWALL[Tyr125His]HALVFLIVLG

ClinVar aggregate classification (germline): Uncertain significance (1 of 4 stars; one submission).

Conditions:
Benign neonatal seizures. Also called: Benign familial neonatal epilepsy; Benign familial neonatal seizures; Benign neonatal familial convulsions; Convulsions benign familial neonatal dominant form; Autosomal dominant form of benign neonatal seizures. Identifiers: Orphanet 1949, MedGen C0220669, MONDO:0016027.

Allele frequency attached by ClinVar (database versions not stated): gnomAD exomes below 0.00001; TOPMed 0.00001.
gnomAD v4.1: 1 of 1,611,464 alleles (0.000062%); highest among the groups gnomAD compares: Non-Finnish European, 0.000085%; no homozygotes.

Submission:

Labcorp Genetics (formerly Invitae), Labcorp
Classification: Uncertain significance for Benign neonatal seizures. Last evaluated: 2019-05-27. Review status: criteria provided, single submitter. Criteria: Invitae Variant Classification Sherloc (09022015). Collection method: clinical testing. Allele origin: germline.
Comment: This sequence change replaces tyrosine with histidine at codon 125 of the KCNQ3 protein (p.Tyr125His). The tyrosine residue is moderately conserved and there is a moderate physicochemical difference between tyrosine and histidine. This variant is not present in population databases (ExAC no frequency). This variant has not been reported in the literature in individuals with KCNQ3-related conditions. Algorithms developed to predict the effect of missense changes on protein structure and function are either unavailable or do not agree on the potential impact of this missense change (SIFT: "Deleterious"; PolyPhen-2: "Benign"; Align-GVGD: "Class C0"). In summary, the available evidence is currently insufficient to determine the role of this variant in disease. Therefore, it has been classified as a Variant of Uncertain Significance.